The following is an entry in ClinVar:

NM_000089.4(COL1A2):c.1001G>A (p.Gly334Asp)

Gene: COL1A2 (collagen type I alpha 2 chain; plus strand). Cytogenetic location: 7q21.3.
Variant type: single nucleotide variant.
Coding change: c.1001G>A on transcript NM_000089.4 (MANE Select); coding-DNA position 1001, G replaced by A.
Protein change: p.Gly334Asp; replaces glycine 334 with aspartic acid.
Molecular consequence: missense variant.
Genome position (GRCh38, 1-based): chr7:94,409,787, G>A. VCF-style: chr7-94409787-G-A. GRCh37 (hg19) VCF-style: chr7-94039099-G-A.
Other names: short protein forms G334D.
Identifiers: ClinVar variation 691335 (VCV000691335.4), dbSNP rs1584319418, ClinGen allele CA368220949.

ClinVar aggregate classification (germline): Pathogenic/Likely pathogenic. Review status: criteria provided, multiple submitters, no conflicts (2 of 4 stars). 2 submissions from 2 submitters: Pathogenic (1); Likely pathogenic (1). Last evaluated 2025-07-16.

Conditions:
Osteogenesis imperfecta (OI). Identifiers: Orphanet 666, MedGen C0029434, MeSH D010013, MONDO:0019019.
Osteogenesis imperfecta type III (OI3). Also called: Osteogenesis imperfecta type 3; OI type 3; Osteogenesis imperfecta, progressively deforming with normal sclerae; OI type III; Progressively Deforming Osteogenesis Imperfecta. Identifiers: Orphanet 216812, Orphanet 666, MedGen C0268362, MONDO:0009804, OMIM 259420.

Submissions (2):

Clinical Biomedical Laboratory, Shriners Hospital For Children - Canada
Classification: Pathogenic for Osteogenesis imperfecta type III. Last evaluated: 2025-07-16. Review status: criteria provided, single submitter. Criteria: ACMG Guidelines, 2015. Collection method: clinical testing. Allele origin: germline. Affected: yes.
Comment: This variant is predicted to substitute a glycine residue to an aspartic acid residue. Glycine substitutions in the triple helical domain of collagen type I alpha 2 chain cause disruption in the formation of the triple helix in the collagen molecule and are a typical cause of osteogenesis imperfecta. The variant is absent from the Genome Aggregation Database version 2.1.1, indicating it is very rare. Computational tools (REVEL: 0.98) suggest that the amino acid change is damaging to protein function.

Genetics Department, Polish Mother's Memorial Hospital Research Institute
Classification: Likely pathogenic for Osteogenesis imperfecta. Last evaluated: 2019-07-11. Review status: criteria provided, single submitter. Criteria: ACMG Guidelines, 2015. Collection method: research. Allele origin: unknown. Affected: yes. Observed: 1 variant allele.
Comment: Parental testing from blood samples were negative for this variant.